The following is an entry in ClinVar:

NM_033100.4(CDHR1):c.1503_1507del (p.Gly502fs)

Gene: CDHR1 (cadherin related family member 1; plus strand). Cytogenetic location: 10q23.1.
Variant type: Deletion.
Coding change: c.1503_1507del on transcript NM_033100.4 (MANE Select); coding-DNA positions 1503 to 1507, 5 bases deleted (AGGAC; older notation c.1503_1507delAGGAC).
Protein change: p.Gly502fs; shifts the reading frame from glycine 502.
Molecular consequence: frameshift variant.
Genome position (GRCh38, 1-based): chr10:84,211,665-84,211,669, AGGAC deleted; deleting any 5 consecutive bases within chr10:84,211,663-84,211,669 gives the same sequence; the c. name uses the placement nearest the transcript's 3' end. VCF-style (leftmost placement, unchanged base first): chr10-84211662-TACAGG-T. GRCh37 (hg19) VCF-style: chr10-85971418-TACAGG-T.
Other names: c.1503_1507del, p.Gly502fs (NM_001171971.3); c.1503_1507del5 (NM_033100.3); c.1503_1507del (NM_033100.3); short protein forms G502fs.
Identifiers: ClinVar variation 1361262 (VCV001361262.12), dbSNP rs1346965647, ClinGen allele CA594737220.
Genomic context (GRCh38, chr10:84,211,662, plus strand): 5'-ACCCTGACAAAGAGGCACGTGCCACCCAGGGCTCTTTCTCTTCCAGGCTGTGGATCCAGA[TACAGG>T]ACCCTGGGGCGAAGTGAAATATTCCACCTATGGGACTGGGGCAGACCTGTAAGTAGATCC-3'

ClinVar aggregate classification (germline): Pathogenic. Review status: criteria provided, multiple submitters, no conflicts (2 of 4 stars). 4 submissions from 4 submitters: Pathogenic (4). Last evaluated 2025-07-14.

Conditions:
CDHR1-related disorders.
CDHR1-related disorder. Also called: CDHR1-related condition.
Cone-rod dystrophy 15 (CORD15). Identifiers: MedGen C3150912, MONDO:0013348, OMIM 613660.
Retinal dystrophy. Also called: Inherited retinal dystrophy. Identifiers: Orphanet 71862, MedGen C0854723, MeSH D058499, MONDO:0019118, HP:0000556.

Submissions (4):

Labcorp Genetics (formerly Invitae), Labcorp
Classification: Pathogenic. Last evaluated: 2025-07-14. Review status: criteria provided, single submitter. Criteria: Invitae Variant Classification Sherloc (09022015). Collection method: clinical testing. Allele origin: germline.
Comment: This sequence change creates a premature translational stop signal (p.Gly502Leufs*32) in the CDHR1 gene. It is expected to result in an absent or disrupted protein product. Loss-of-function variants in CDHR1 are known to be pathogenic (PMID: 23044944, 23591405, 26103963, 26261414). This variant is present in population databases (no rsID available, gnomAD 0.003%). This premature translational stop signal has been observed in individual(s) with inherited retinal dystrophy (PMID: 29555955). ClinVar contains an entry for this variant (Variation ID: 1361262). For these reasons, this variant has been classified as Pathogenic.

PreventionGenetics, part of Exact Sciences
Classification: Pathogenic for CDHR1-related condition. Last evaluated: 2025-04-11. Review status: criteria provided, single submitter. Criteria: ACMG Guidelines, 2015. Collection method: clinical testing. Allele origin: germline.
Comment: The CDHR1 c.1503_1507del5 variant is predicted to result in a frameshift and premature protein termination (p.Gly502Leufs*32). This variant has been reported in individuals with retinal disease (Table S1, Birtel et al. 2018. PubMed ID: 29555955; Charbel Issa et al. 2019. PubMed ID: 31387115). This variant is present in 0.0015% of alleles in individuals of European (Non-Finnish) descent in gnomAD. Frameshift variants in CDHR1 are an established mechanism of disease. This variant is interpreted as pathogenic.

Institute of Human Genetics, Univ. Regensburg, Univ. Regensburg
Classification: Pathogenic for Retinal dystrophy. Last evaluated: 2022-01-01. Review status: criteria provided, single submitter. Criteria: ACMG Guidelines, 2015. Collection method: clinical testing. Allele origin: germline. Affected: yes.

Blueprint Genetics
Classification: Pathogenic for CDHR1-related disorders. Last evaluated: 2021-10-21. Review status: criteria provided, single submitter. Criteria: ACMG Guidelines, 2015. Collection method: clinical testing. Allele origin: germline. Affected: yes. Observed: 2 variant alleles.

Literature cited by the submitters: PubMed 23044944 (cited by Labcorp Genetics (formerly Invitae), Labcorp); PubMed 23591405 (cited by Labcorp Genetics (formerly Invitae), Labcorp); PubMed 26103963 (cited by Labcorp Genetics (formerly Invitae), Labcorp); PubMed 26261414 (cited by Labcorp Genetics (formerly Invitae), Labcorp); PubMed 29555955 (cited by Labcorp Genetics (formerly Invitae), Labcorp and Institute of Human Genetics, Univ. Regensburg, Univ. Regensburg); PubMed 31387115 (cited by Institute of Human Genetics, Univ. Regensburg, Univ. Regensburg); PubMed 31964843 (cited by Institute of Human Genetics, Univ. Regensburg, Univ. Regensburg).